The following is an entry in ClinVar:

ClinVar aggregate classification (germline): Pathogenic (1 of 4 stars; one submission).

Conditions:
TARP syndrome (TARPS). Also called: PIERRE ROBIN SYNDROME WITH CONGENITAL HEART MALFORMATION AND CLUBFOOT; TALIPES EQUINOVARUS, ATRIAL SEPTAL DEFECT, ROBIN SEQUENCE, AND PERSISTENCE OF LEFT SUPERIOR VENA CAVA. Identifiers: Orphanet 2886, MedGen C1839463, MONDO:0010711, OMIM 311900.

Submission:

Victorian Clinical Genetics Services, Murdoch Childrens Research Institute
Classification: Pathogenic for TARP syndrome. Last evaluated: 2022-03-31. Review status: criteria provided, single submitter. Criteria: ACMG Guidelines, 2015. Collection method: clinical testing. Allele origin: germline. Inheritance: X-linked recessive inheritance. Affected: yes.
Comment: Based on the classification scheme VCGS_Germline_v1.3.4, this variant is classified as Pathogenic. Following criteria are met: 0102 - Loss of function is a known mechanism of disease in this gene and is associated with TARP syndrome (MIM#311900). (I) 0109 - This gene is associated with X-linked recessive disease. (I) 0201 - Variant is predicted to cause nonsense-mediated decay (NMD) and loss of protein (premature termination codon is located at least 54 nucleotides upstream of the final exon-exon junction). (SP) 0253 - This variant is hemizygous. (I) 0301 - Variant is absent from gnomAD (both v2 and v3). (SP) 0701 - Other NMD-predicted variants comparable to the one identified in this case have very strong previous evidence for pathogenicity. Multiple unrelated individuals with TARP syndrome have been reported with NMD-predicted variants (ClinVar, PMID:30450804) (SP) 0807 - This variant has no previous evidence of pathogenicity. (I) 0905 - No published segregation evidence has been identified for this variant. (I) 1007 - No published functional evidence has been identified for this variant. (I) 1102 - Strong phenotype match for this individual. (I) Legend: (SP) - Supporting pathogenic, (I) - Information, (SB) - Supporting benign

Literature cited by the submitters: PubMed 30450804.

NM_005676.5(RBM10):c.1993_1996del (p.Gln665fs)

Gene: RBM10 (RNA binding motif protein 10; plus strand). Cytogenetic location: Xp11.3.
Variant type: Microsatellite.
Coding change: c.1993_1996del on transcript NM_005676.5 (MANE Select); coding-DNA positions 1993 to 1996, 4 bases deleted (CAAA; older notation c.1993_1996delCAAA).
Protein change: p.Gln665fs; shifts the reading frame from glutamine 665.
Molecular consequence: frameshift variant.
Genome position (GRCh38, 1-based): chrX:47,185,097-47,185,100, CAAA deleted; deleting any 4 consecutive bases within chrX:47,185,091-47,185,100 gives the same sequence; the c. name uses the placement nearest the transcript's 3' end. VCF-style (leftmost placement, unchanged base first): chrX-47185090-CAACA-C. GRCh37 (hg19) VCF-style: chrX-47044489-CAACA-C.
Other names: c.1762_1765del, p.Gln588fs (NM_001204466.2); c.1990_1993del, p.Gln664fs (NM_001204467.2); c.2188_2191del, p.Gln730fs (NM_001204468.2); c.1759_1762del, p.Gln587fs (NM_152856.3); short protein forms Q587fs, Q588fs, Q664fs, Q665fs, Q730fs.
Identifiers: ClinVar variation 1806104 (VCV001806104.1), dbSNP rs2521133928, ClinGen allele CA1139532830.